The following is an entry in ClinVar:

NM_002618.4(PEX13):c.769C>T (p.His257Tyr)

Gene: PEX13 (peroxisomal biogenesis factor 13; plus strand). Cytogenetic location: 2p15.
Variant type: single nucleotide variant.
Coding change: c.769C>T on transcript NM_002618.4 (MANE Select); coding-DNA position 769, C replaced by T.
Protein change: p.His257Tyr; replaces histidine 257 with tyrosine.
Molecular consequence: missense variant.
Genome position (GRCh38, 1-based): chr2:61,032,095, C>T. VCF-style: chr2-61032095-C-T. GRCh37 (hg19) VCF-style: chr2-61259230-C-T.
Other names: short protein forms H257Y.
Identifiers: ClinVar variation 1992832 (VCV001992832.1), dbSNP rs199909814, ClinGen allele CA1673344.

ClinVar aggregate classification (germline): Uncertain significance (1 of 4 stars; one submission).

Conditions:
Peroxisome biogenesis disorder 11A (Zellweger). Also called: Peroxisome biogenesis disorder 11A. Identifiers: Orphanet 912, MedGen C3554000, MONDO:0013949, OMIM 614883.

Allele frequency attached by ClinVar (database versions not stated): gnomAD exomes below 0.00001; TOPMed below 0.00001; ExAC 0.00001; 1000 Genomes Project 30x 0.00016; 1000 Genomes Project 0.00020.

Submission:

Labcorp Genetics (formerly Invitae), Labcorp
Classification: Uncertain significance for Peroxisome biogenesis disorder 11A (Zellweger). Last evaluated: 2022-06-28. Review status: criteria provided, single submitter. Criteria: Invitae Variant Classification Sherloc (09022015). Collection method: clinical testing. Allele origin: germline.
Comment: This sequence change replaces histidine, which is basic and polar, with tyrosine, which is neutral and polar, at codon 257 of the PEX13 protein (p.His257Tyr). This variant is present in population databases (rs199909814, gnomAD 0.007%). This variant has not been reported in the literature in individuals affected with PEX13-related conditions. Algorithms developed to predict the effect of missense changes on protein structure and function output the following: SIFT: "Tolerated"; PolyPhen-2: "Benign"; Align-GVGD: "Class C0". The tyrosine amino acid residue is found in multiple mammalian species, which suggests that this missense change does not adversely affect protein function. In summary, the available evidence is currently insufficient to determine the role of this variant in disease. Therefore, it has been classified as a Variant of Uncertain Significance.